The following is an entry in ClinVar:

ClinVar aggregate classification (germline): Uncertain significance (1 of 4 stars; one submission).

Allele frequency attached by ClinVar (database versions not stated): TOPMed 0.00001.

Submission:

Labcorp Genetics (formerly Invitae), Labcorp
Classification: Uncertain significance. Last evaluated: 2022-06-27. Review status: criteria provided, single submitter. Criteria: Invitae Variant Classification Sherloc (09022015). Collection method: clinical testing. Allele origin: germline.
Comment: In summary, the available evidence is currently insufficient to determine the role of this variant in disease. Therefore, it has been classified as a Variant of Uncertain Significance. Algorithms developed to predict the effect of missense changes on protein structure and function output the following: SIFT: "Not Available"; PolyPhen-2: "Benign"; Align-GVGD: "Not Available". The aspartic acid amino acid residue is found in multiple mammalian species, which suggests that this missense change does not adversely affect protein function. This variant has not been reported in the literature in individuals affected with OAS1-related conditions. This variant is not present in population databases (gnomAD no frequency). This sequence change replaces asparagine, which is neutral and polar, with aspartic acid, which is acidic and polar, at codon 350 of the OAS1 protein (p.Asn350Asp).

NM_016816.4(OAS1):c.1048A>G (p.Asn350Asp)

Gene: OAS1 (2'-5'-oligoadenylate synthetase 1; plus strand). Cytogenetic location: 12q24.13.
Variant type: single nucleotide variant.
Coding change: c.1048A>G on transcript NM_016816.4 (MANE Select); coding-DNA position 1048, A replaced by G.
Protein change: p.Asn350Asp; replaces asparagine 350 with aspartic acid.
Molecular consequence: missense variant. On other transcripts: intron variant (2).
Genome position (GRCh38, 1-based): chr12:112,919,398, A>G. VCF-style: chr12-112919398-A-G. GRCh37 (hg19) VCF-style: chr12-113357203-A-G.
Other names: c.1038+1698A>G (NM_001320151.2); c.1039-89A>G (NM_001032409.3); short protein forms N350D.
Identifiers: ClinVar variation 1471680 (VCV001471680.8), dbSNP rs2043509263, ClinGen allele CA386809956.